The following is an entry in ClinVar:

NM_000127.3(EXT1):c.1660G>A (p.Asp554Asn)

Gene: EXT1 (exostosin glycosyltransferase 1; minus strand). Cytogenetic location: 8q24.11.
Variant type: single nucleotide variant.
Coding change: c.1660G>A on transcript NM_000127.3 (MANE Select); coding-DNA position 1660, G replaced by A.
Protein change: p.Asp554Asn; replaces aspartic acid 554 with asparagine.
Molecular consequence: missense variant.
Genome position (GRCh38, 1-based): chr8:117,812,934, C>T on the plus strand (G>A on the coding strand, the complement: EXT1 is on the minus strand). VCF-style: chr8-117812934-C-T. GRCh37 (hg19) VCF-style: chr8-118825173-C-T.
Other names: short protein forms D554N.
Identifiers: ClinVar variation 2200896 (VCV002200896.4), dbSNP rs751582814, ClinGen allele CA371881432.
Genomic context (GRCh38, chr8:117,812,934, plus strand): 5'-CTGTTGTTGAAAGCACCGTGTCCTCGTCAAGGCTGAGCACGGCGTCTGTGATGATGTTGT[C>T]GTAGGGCAGAAAACGGCTGCTCATAACCTGGGAGGAAGTAGAAGTAGGCAGTGGGGAGGG-3'
Protein context (NP_000118.2, residues 544-564): KVMSSRFLPY[Asp554Asn]NIITDAVLSL

ClinVar aggregate classification (germline): Uncertain significance (1 of 4 stars; one submission).

Conditions:
Multiple congenital exostosis (EXT). Also called: Multiple osteochondromas; MULTIPLE CARTILAGINOUS EXOSTOSES; Hereditary multiple osteochondromas; Multiple exostoses; Hereditary multiple exostoses; Hereditary multiple exostosis. Identifiers: Orphanet 321, MedGen C0015306, MONDO:0005508, HP:0002762.

Allele frequency attached by ClinVar (database versions not stated): TOPMed below 0.00001.
gnomAD v4.1: 12 of 1,613,632 alleles (0.00074%); highest among the groups gnomAD compares: South Asian, 0.0011%; no homozygotes.

Submission:

Labcorp Genetics (formerly Invitae), Labcorp
Classification: Uncertain significance for Multiple congenital exostosis. Last evaluated: 2024-10-22. Review status: criteria provided, single submitter. Criteria: Invitae Variant Classification Sherloc (09022015). Collection method: clinical testing. Allele origin: germline.
Comment: This sequence change replaces aspartic acid, which is acidic and polar, with asparagine, which is neutral and polar, at codon 554 of the EXT1 protein (p.Asp554Asn). This variant is present in population databases (no rsID available, gnomAD 0.01%). This variant has not been reported in the literature in individuals affected with EXT1-related conditions. ClinVar contains an entry for this variant (Variation ID: 2200896). Invitae Evidence Modeling of protein sequence and biophysical properties (such as structural, functional, and spatial information, amino acid conservation, physicochemical variation, residue mobility, and thermodynamic stability) indicates that this missense variant is not expected to disrupt EXT1 protein function with a negative predictive value of 80%. In summary, the available evidence is currently insufficient to determine the role of this variant in disease. Therefore, it has been classified as a Variant of Uncertain Significance.